The following is an entry in ClinVar:

ClinVar aggregate classification (germline): Uncertain significance (1 of 4 stars; one submission).

Submission:

Labcorp Genetics (formerly Invitae), Labcorp
Classification: Uncertain significance. Last evaluated: 2022-07-19. Review status: criteria provided, single submitter. Criteria: Invitae Variant Classification Sherloc (09022015). Collection method: clinical testing. Allele origin: germline.
Comment: In summary, the available evidence is currently insufficient to determine the role of this variant in disease. Therefore, it has been classified as a Variant of Uncertain Significance. Algorithms developed to predict the effect of missense changes on protein structure and function output the following: SIFT: "Tolerated"; PolyPhen-2: "Benign"; Align-GVGD: "Class C0". The asparagine amino acid residue is found in multiple mammalian species, which suggests that this missense change does not adversely affect protein function. ClinVar contains an entry for this variant (Variation ID: 1486193). This variant has not been reported in the literature in individuals affected with ZNF341-related conditions. This variant is not present in population databases (gnomAD no frequency). This sequence change replaces aspartic acid, which is acidic and polar, with asparagine, which is neutral and polar, at codon 424 of the ZNF341 protein (p.Asp424Asn).

NM_001282933.2(ZNF341):c.1291G>A (p.Asp431Asn)

Gene: ZNF341 (zinc finger protein 341; plus strand). Cytogenetic location: 20q11.22.
Variant type: single nucleotide variant.
Coding change: c.1291G>A on transcript NM_001282933.2 (MANE Select); coding-DNA position 1291, G replaced by A.
Protein change: p.Asp431Asn; replaces aspartic acid 431 with asparagine.
Molecular consequence: missense variant. On other transcripts: non-coding transcript variant (1).
Genome position (GRCh38, 1-based): chr20:33,766,919, G>A. VCF-style: chr20-33766919-G-A. GRCh37 (hg19) VCF-style: chr20-32354725-G-A.
Other names: c.1021G>A, p.Asp341Asn (NM_001282935.2); c.1270G>A, p.Asp424Asn (NM_032819.5); short protein forms D341N, D424N, D431N.
Identifiers: ClinVar variation 1486193 (VCV001486193.8), dbSNP rs2122698040, ClinGen allele CA408656591.